The following is an entry in ClinVar:

NM_000531.6(OTC):c.618G>A (p.Met206Ile)

Gene: OTC (ornithine transcarbamylase; plus strand). Cytogenetic location: Xp11.4.
Variant type: single nucleotide variant.
Coding change: c.618G>A on transcript NM_000531.6 (MANE Select); coding-DNA position 618, G replaced by A.
Protein change: p.Met206Ile; replaces methionine 206 with isoleucine.
Molecular consequence: missense variant.
Genome position (GRCh38, 1-based): chrX:38,403,695, G>A. VCF-style: chrX-38403695-G-A. GRCh37 (hg19) VCF-style: chrX-38262948-G-A.
Other names: c.618G>A (NM_000531.5); short protein forms M206I.
Identifiers: ClinVar variation 1297045 (VCV001297045.8), dbSNP rs72558413, ClinGen allele CA412725691.

ClinVar aggregate classification (germline): Conflicting classifications of pathogenicity. Review status: criteria provided, conflicting classifications (1 of 4 stars). 6 submissions from 6 submitters: Pathogenic (1); Likely pathogenic (4); Uncertain significance (1). Last evaluated 2026-05-18.

Conditions:
OTC-related disorder. Also called: OTC-related condition.
Ornithine carbamoyltransferase deficiency (OTCD). Also called: ORNITHINE TRANSCARBAMYLASE DEFICIENCY; ORNITHINE TRANSCARBAMYLASE DEFICIENCY, HYPERAMMONEMIA DUE TO; OTC DEFICIENCY; Ornithine Carbamoyltransferase Deficiency Disease. Identifiers: Orphanet 664, MedGen C0268542, MONDO:0010703, OMIM 311250.

Allele frequency attached by ClinVar (database versions not stated): gnomAD exomes below 0.00001 and 0.00001; TOPMed below 0.00001.
gnomAD v4.1: 5 of 1,210,572 alleles (0.00041%); highest among the groups gnomAD compares: African/African-American, 0.0035%; no homozygotes.

Submissions (6):

Women's Health and Genetics/Laboratory Corporation of America, LabCorp
Classification: Likely pathogenic for Ornithine carbamoyltransferase deficiency. Last evaluated: 2026-05-18. Review status: criteria provided, single submitter. Criteria: LabCorp Variant Classification Summary - May 2015. Collection method: clinical testing. Allele origin: germline.
Comment: Variant summary: OTC c.618G>A (p.Met206Ile) results in a conservative amino acid change located in the Aspartate/ornithine carbamoyltransferase, Asp/Orn binding domain (IPR006131) of the encoded protein sequence. Algorithms developed to predict the effect of missense changes on protein structure and function are either unavailable or do not agree on the potential impact of this missense change. The variant allele was found at a frequency of 5.5e-06 in 183114 control chromosomes. To our knowledge, no occurrence of c.618G>A in individuals affected with OTC-related conditions has been reported. However, a different variant resulting in the same amino acid effect (c.618G>C) has been determined to be likely pathogenic/pathogenic. ClinVar contains an entry for this variant (Variation ID: 1297045). Based on the evidence outlined above, the variant was classified as likely pathogenic.

PreventionGenetics, part of Exact Sciences
Classification: Uncertain significance for OTC-related condition. Last evaluated: 2026-03-03. Review status: criteria provided, single submitter. Criteria: ACMG Guidelines, 2015. Collection method: clinical testing. Allele origin: germline.
Comment: The OTC c.618G>A variant is predicted to result in the amino acid substitution p.Met206Ile. To our knowledge, this specific variant has not been reported in any individuals with OTC deficiency. While the variant was reported to have apparently arose de novo in the table, it is unclear whether paternal targeted testing was actually carried out in the text. As such, the possibility of the variant being inherited from an unaffected father/ father exhibiting late-onset OTC deficiency cannot be ruled out (Climent et al. 2002. PubMed ID: 11793483). In addition, an alternate nucleotide change affecting the same amino acid (p.Met206Arg) has been reported in two male siblings with OTC deficiency (Bowling et al. 1999. PubMed ID: 10405441). In a functional study, the p.Met206Ile substitution was reported to decrease yeast growth to ~65% of control, while other substitutions of the p.Met206 amino acid (p.Met206Lys, p.Met206Arg) abolished yeast growth (Table S7, Lo et al. 2023. PubMed ID: 37146589). This variant is reported in 0.0076% of alleles in individuals of African descent in gnomAD. Although we suspect this variant may possibly be pathogenic, at this time its clinical significance is currently uncertain due to the absence of conclusive functional and genetic evidence.

Labcorp Genetics (formerly Invitae), Labcorp
Classification: Likely pathogenic for Ornithine carbamoyltransferase deficiency. Last evaluated: 2025-09-30. Review status: criteria provided, single submitter. Criteria: Invitae Variant Classification Sherloc (09022015). Collection method: clinical testing. Allele origin: germline.
Comment: This sequence change replaces methionine, which is neutral and non-polar, with isoleucine, which is neutral and non-polar, at codon 206 of the OTC protein (p.Met206Ile). This variant is present in population databases (no rsID available, gnomAD 0.008%). This missense change has been observed in individual(s) with ornithine transcarbamylase deficiency (PMID: 11793483). In at least one individual the variant was observed to be de novo. ClinVar contains an entry for this variant (Variation ID: 1297045). Invitae Evidence Modeling of protein sequence and biophysical properties (such as structural, functional, and spatial information, amino acid conservation, physicochemical variation, residue mobility, and thermodynamic stability) has been performed for this missense variant. However, the output from this modeling did not meet the statistical confidence thresholds required to predict the impact of this variant on OTC protein function. Experimental studies are conflicting or provide insufficient evidence to determine the effect of this variant on OTC function (PMID: 37146589). This variant disrupts the p.Met206 amino acid residue in OTC. Other variant(s) that disrupt this residue have been determined to be pathogenic (PMID: 10405441; internal data). This suggests that this residue is clinically significant, and that variants that disrupt this residue are likely to be disease-causing. In summary, the currently available evidence indicates that the variant is pathogenic, but additional data are needed to prove that conclusively. Therefore, this variant has been classified as Likely Pathogenic.

Victorian Clinical Genetics Services, Murdoch Childrens Research Institute
Classification: Likely pathogenic for Ornithine carbamoyltransferase deficiency. Last evaluated: 2024-09-21. Review status: criteria provided, single submitter. Criteria: ACMG Guidelines, 2015. Collection method: clinical testing. Allele origin: germline. Inheritance: X-linked inheritance.
Comment: Based on the classification scheme VCGS_Germline_v1.3.4, this variant is classified as Likely pathogenic. Following criteria are met: 0102 - Loss of function is a known mechanism of disease in this gene and is associated with ornithine transcarbamylase deficiency (MIM#311250). (I) 0108 - This gene is associated with X-linked disease. (I) 0115 - Variants in this gene are known to have variable expressivity. In males, the phenotypic spectrum can range from lethal neonatal onset to milder forms in late childhood or adulthood while in heterozygous females, the phenotypic spectrum can range from asymptomatic to having recurrent hyperammonemia and/or neurologic impairment depending on the pattern of X-chromosome inactivation in the liver (OMIM, GeneReviews). In addition, individuals with pathogenic variants associated with mild, late-onset disease may experience severe hyperammonemia depending on exposure to strong environmental stressors (GeneReviews). (I) 0200 - Variant is predicted to result in a missense amino acid change from methionine to isoleucine. (I) 0251 - This variant is heterozygous. (I) 0304 - Variant is present in gnomAD <0.01 (v2: 1 heterozygote, 0 homozygotes, 0 hemizygotes). (SP) 0502 - Missense variant with conflicting in silico predictions and uninformative conservation. (I) 0600 - Variant is located in the annotated OTCace domain. (I) 0705 - No comparable variants have previous evidence for pathogenicity. Changes to lysine and arginine have been regarded as pathogenic and reported in individuals with ornithine transcarbamylase deficiency (ClinVar). However, these changes are not regarded as comparable because they have a higher Grantham score and may have a more deleterious effect. (I) 0803 - This variant has limited previous evidence of pathogenicity. It has been regarded as pathogenic in ClinVar by a diagnostic laboratory. Authors suggest mother does not have the variant considering allopurinol test; however, genetic studies were not performed to confirm this result (PMID: 11793483). (SP) 0905 - No published segregation evidence has been identified for this variant. (I) 1002 - This variant has moderate functional evidence supporting abnormal protein function. Biopsy of patient’s intestinal mucosa has shown only 5% of OTC activity (PMID: 11793483). In addition, yeast complementation assay performed in S. cerevisiae has shown that this variant resulted in decreased yeast growth compared to wild-type (PMID: 37146589). (SP) Legend: (SP) - Supporting pathogenic, (I) - Information, (SB) - Supporting benign

Fulgent Genetics
Classification: Likely pathogenic for Ornithine carbamoyltransferase deficiency. Last evaluated: 2024-03-24. Review status: criteria provided, single submitter. Criteria: ACMG Guidelines, 2015. Collection method: clinical testing. Allele origin: germline.

Institute of Human Genetics, University of Leipzig Medical Center
Classification: Pathogenic for Ornithine carbamoyltransferase deficiency. Last evaluated: 2021-08-19. Review status: criteria provided, single submitter. Criteria: ACMG Guidelines, 2015. Collection method: clinical testing. Allele origin: unknown. Affected: yes.

Literature cited by the submitters: PubMed 11793483 (cited by Labcorp Genetics (formerly Invitae), Labcorp and Victorian Clinical Genetics Services, Murdoch Childrens Research Institute); PubMed 37146589 (cited by Labcorp Genetics (formerly Invitae), Labcorp and Victorian Clinical Genetics Services, Murdoch Childrens Research Institute); PubMed 10405441 (cited by Labcorp Genetics (formerly Invitae), Labcorp).